The following is an entry in ClinVar:

ClinVar aggregate classification (germline): Conflicting classifications of pathogenicity. Review status: criteria provided, conflicting classifications (1 of 4 stars). 6 submissions from 6 submitters: Uncertain significance (5); Likely benign (1). Last evaluated 2026-01-24.

Conditions:
Autosomal recessive nonsyndromic hearing loss 9. Also called: Deafness, autosomal recessive 9; AUDITORY NEUROPATHY, AUTOSOMAL RECESSIVE, 1, TEMPERATURE-SENSITIVE; NEUROSENSORY NONSYNDROMIC RECESSIVE DEAFNESS 9; OTOF-Related Hearing Loss. Identifiers: Orphanet 90636, MedGen C1832828, MONDO:0010986, OMIM 601071.

Allele frequency attached by ClinVar (database versions not stated): ExAC 0.00021; gnomAD 0.00025; TOPMed 0.00039; ESP Exome Variant Server 0.00085.
gnomAD v4.1: 757 of 1,613,840 alleles (0.047%); highest among the groups gnomAD compares: Non-Finnish European, 0.057%; no homozygotes.

Submissions (6):

Labcorp Genetics (formerly Invitae), Labcorp
Classification: Likely benign. Last evaluated: 2026-01-24. Review status: criteria provided, single submitter. Criteria: Invitae Variant Classification Sherloc (09022015). Collection method: clinical testing. Allele origin: germline.

CeGaT Center for Human Genetics Tuebingen
Classification: Uncertain significance. Last evaluated: 2025-10-01. Review status: criteria provided, single submitter. Criteria: CeGaT Center For Human Genetics Tuebingen Variant Classification Criteria Version 2. Collection method: clinical testing. Allele origin: germline. Affected: yes. Observed: 1 variant allele.

GeneDx
Classification: Uncertain significance. Last evaluated: 2025-08-09. Review status: criteria provided, single submitter. Criteria: GeneDx Variant Classification Process June 2021. Collection method: clinical testing. Allele origin: germline. Affected: yes.
Comment: Identified in a patient with syndromic hearing loss who harbored multiple additional variants of uncertain significance in additional genes in published literature (PMID: 36672845); In silico analysis supports that this missense variant has a deleterious effect on protein structure/function; This variant is associated with the following publications: (PMID: 36672845)

Fulgent Genetics
Classification: Uncertain significance for Autosomal recessive nonsyndromic hearing loss 9. Last evaluated: 2022-01-11. Review status: criteria provided, single submitter. Criteria: ACMG Guidelines, 2015. Collection method: clinical testing. Allele origin: unknown.

Illumina Laboratory Services, Illumina
Classification: Uncertain significance for Autosomal recessive nonsyndromic hearing loss 9. Last evaluated: 2017-04-27. Review status: criteria provided, single submitter. Criteria: ICSL Variant Classification Criteria 13 December 2019. Collection method: clinical testing. Allele origin: germline.
Comment: This variant was observed as part of a predisposition screen in an ostensibly healthy population. A literature search was performed for the gene, cDNA change, and amino acid change (where applicable). Publications were found based on this search. However, the evidence from the literature, in combination with allele frequency data from public databases where available, was not sufficient to rule this variant in or out of causing disease. Therefore, this variant is classified as a variant of unknown significance.

Eurofins Ntd Llc (ga)
Classification: Uncertain significance. Last evaluated: 2016-06-07. Review status: criteria provided, single submitter. Criteria: EGL Classification Definitions 2015. Collection method: clinical testing. Allele origin: germline. Observed: 1 variant allele, 1 heterozygote.

Literature cited by the submitters: PubMed 20504331 (cited by Illumina Laboratory Services, Illumina); PubMed 18381613 (cited by Illumina Laboratory Services, Illumina); PubMed 19461658 (cited by Illumina Laboratory Services, Illumina); PubMed 14635104 (cited by Illumina Laboratory Services, Illumina); PubMed 18804553 (cited by Illumina Laboratory Services, Illumina).

NM_194248.3(OTOF):c.152C>T (p.Pro51Leu)

Gene: OTOF (otoferlin; minus strand). Cytogenetic location: 2p23.3.
Variant type: single nucleotide variant.
Coding change: c.152C>T on transcript NM_194248.3 (MANE Select); coding-DNA position 152, C replaced by T.
Protein change: p.Pro51Leu; replaces proline 51 with leucine.
Molecular consequence: missense variant.
Genome position (GRCh38, 1-based): chr2:26,527,907, G>A on the plus strand (C>T on the coding strand, the complement: OTOF is on the minus strand). VCF-style: chr2-26527907-G-A. GRCh37 (hg19) VCF-style: chr2-26750775-G-A.
Other names: c.152C>T, p.Pro51Leu (NM_001287489.2); short protein forms P51L.
Identifiers: ClinVar variation 287604 (VCV000287604.24), dbSNP rs150132765, ClinGen allele CA1564784.